The following is an entry in ClinVar:

NM_019892.6(INPP5E):c.1160A>G (p.Glu387Gly)

Gene: INPP5E (inositol polyphosphate-5-phosphatase E; minus strand). Cytogenetic location: 9q34.3.
Variant type: single nucleotide variant.
Coding change: c.1160A>G on transcript NM_019892.6 (MANE Select); coding-DNA position 1160, A replaced by G.
Protein change: p.Glu387Gly; replaces glutamic acid 387 with glycine.
Molecular consequence: missense variant.
Genome position (GRCh38, 1-based): chr9:136,433,075, T>C on the plus strand (A>G on the coding strand, the complement: INPP5E is on the minus strand). VCF-style: chr9-136433075-T-C. GRCh37 (hg19) VCF-style: chr9-139327527-T-C.
Other names: c.1160A>G, p.Glu387Gly (NM_001318502.2); short protein forms E387G.
Identifiers: ClinVar variation 2823280 (VCV002823280.3), dbSNP rs2538877743, ClinGen allele CA375564106.

ClinVar aggregate classification (germline): Uncertain significance (1 of 4 stars; one submission).

Conditions:
Joubert syndrome. Also called: CEREBELLOPARENCHYMAL DISORDER IV; JOUBERT-BOLTSHAUSER SYNDROME; Familial aplasia of the vermis. Identifiers: Orphanet 475, MedGen C5979921, MONDO:0018772.

Allele frequency attached by ClinVar (database versions not stated): gnomAD exomes below 0.00001.
gnomAD v4.1: 1 of 1,610,320 alleles (0.000062%); highest among the groups gnomAD compares: Non-Finnish European, 0.000085%; no homozygotes.

Submission:

Labcorp Genetics (formerly Invitae), Labcorp
Classification: Uncertain significance for Joubert syndrome. Last evaluated: 2023-01-19. Review status: criteria provided, single submitter. Criteria: Invitae Variant Classification Sherloc (09022015). Collection method: clinical testing. Allele origin: germline.
Comment: In summary, the available evidence is currently insufficient to determine the role of this variant in disease. Therefore, it has been classified as a Variant of Uncertain Significance. Algorithms developed to predict the effect of sequence changes on RNA splicing suggest that this variant may disrupt the consensus splice site. Algorithms developed to predict the effect of missense changes on protein structure and function (SIFT, PolyPhen-2, Align-GVGD) all suggest that this variant is likely to be tolerated. This variant has not been reported in the literature in individuals affected with INPP5E-related conditions. This variant is not present in population databases (gnomAD no frequency). This sequence change replaces glutamic acid, which is acidic and polar, with glycine, which is neutral and non-polar, at codon 387 of the INPP5E protein (p.Glu387Gly).